The following is an entry in ClinVar:

NM_000540.3(RYR1):c.12095-129G>C

Gene: RYR1 (ryanodine receptor 1; plus strand). Cytogenetic location: 19q13.2.
Variant type: single nucleotide variant.
Coding change: c.12095-129G>C on transcript NM_000540.3 (MANE Select); 129 bases into the intron before coding-DNA position 12095, G replaced by C.
Molecular consequence: intron variant.
Genome position (GRCh38, 1-based): chr19:38,548,104, G>C. VCF-style: chr19-38548104-G-C. GRCh37 (hg19) VCF-style: chr19-39038744-G-C.
Other names: c.12080-129G>C (NM_001042723.2).
Identifiers: ClinVar variation 133031 (VCV000133031.2), dbSNP rs2945046, ClinGen allele CA023966.

ClinVar aggregate classification (germline): Benign. Review status: criteria provided, single submitter (1 of 4 stars). 2 submissions from 2 submitters: Benign (1). 1 of the submissions does not count toward it. Last evaluated 2018-06-14.

Allele frequency attached by ClinVar (database versions not stated): TOPMed 0.10637; gnomAD 0.09650 and 0.10141; 1000 Genomes Project 0.10164; 1000 Genomes Project 30x 0.10603.
gnomAD v4.1: 48,311 of 982,350 alleles (4.9%); highest among the groups gnomAD compares: African/African-American, 25%; 2,846 homozygotes.

Submissions (2):

GeneDx
Classification: Benign. Last evaluated: 2018-06-14. Review status: criteria provided, single submitter. Criteria: GeneDx Variant Classification (06012015). Collection method: clinical testing. Allele origin: germline. Affected: yes.
Comment: This variant is considered likely benign or benign based on one or more of the following criteria: it is a conservative change, it occurs at a poorly conserved position in the protein, it is predicted to be benign by multiple in silico algorithms, and/or has population frequency not consistent with disease.

RYR1 database
No classification provided. Review status: no classification provided. Collection method: not provided. Allele origin: unknown. Not counted in ClinVar's aggregate classification.